The following is an entry in ClinVar:

NM_002160.4(TNC):c.3047G>A (p.Arg1016His)

Gene: TNC (tenascin C; minus strand). Cytogenetic location: 9q33.1.
Variant type: single nucleotide variant.
Coding change: c.3047G>A on transcript NM_002160.4 (MANE Select); coding-DNA position 3047, G replaced by A.
Protein change: p.Arg1016His; replaces arginine 1016 with histidine.
Molecular consequence: missense variant.
Genome position (GRCh38, 1-based): chr9:115,073,770, C>T on the plus strand (G>A on the coding strand, the complement: TNC is on the minus strand). VCF-style: chr9-115073770-C-T. GRCh37 (hg19) VCF-style: chr9-117836049-C-T.
Other names: DFNA56; c.3047G>A, p.Arg1016His (NM_001410991.1); short protein forms R1016H.
Identifiers: ClinVar variation 3393391 (VCV003393391.1).
Genomic context (GRCh38, chr9:115,073,770, plus strand): 5'-GTGGTGTTTCTTGGAAGCTGCACTCCCACCCACTGGCCTGTGGGGAGACTGTAATTGAGG[C>T]GGTAGCGGTCAAATTTGGCCAACGGTGTCTTCCAGAGCAGGGTCAGGCTGGTCTCTGCAG-3'
Protein context (NP_002151.2, residues 1006-1026): KTPLAKFDRY[Arg1016His]LNYSLPTGQW

ClinVar aggregate classification (germline): Uncertain significance (1 of 4 stars; one submission).

Conditions:
Autosomal dominant nonsyndromic hearing loss 56. Also called: Deafness, autosomal dominant 56. Identifiers: Orphanet 90635, MedGen C3810170, MONDO:0014283, OMIM 615629.

Submission:

Laboratory of Prof. Karen Avraham, Tel Aviv University
Classification: Uncertain significance for Autosomal dominant nonsyndromic hearing loss 56. Last evaluated: 2024-12-25. Review status: criteria provided, single submitter. Criteria: ACMG Guidelines, 2015. Collection method: research. Allele origin: germline. Affected: yes. Observed: 1 variant allele.
Comment: The TNC c.3047G>A:p.(Arg1016His) is extremely rare and predicted deleterious.